The following is an entry in ClinVar:

NM_003673.4(TCAP):c.407T>G (p.Ile136Ser)

Gene: TCAP (titin-cap; plus strand). Cytogenetic location: 17q12.
Variant type: single nucleotide variant.
Coding change: c.407T>G on transcript NM_003673.4 (MANE Select); coding-DNA position 407, T replaced by G.
Protein change: p.Ile136Ser; replaces isoleucine 136 with serine.
Molecular consequence: missense variant.
Genome position (GRCh38, 1-based): chr17:39,666,012, T>G. VCF-style: chr17-39666012-T-G. GRCh37 (hg19) VCF-style: chr17-37822265-T-G.
Other names: short protein forms I136S.
Identifiers: ClinVar variation 3223541 (VCV003223541.1), dbSNP rs2145074402, ClinGen allele CA399305740.

ClinVar aggregate classification (germline): Uncertain significance (1 of 4 stars; one submission).

Conditions:
Cardiovascular phenotype. Identifiers: MedGen CN230736.

Submission:

Ambry Genetics
Classification: Uncertain significance for Cardiovascular phenotype. Last evaluated: 2023-02-10. Review status: criteria provided, single submitter. Criteria: Ambry Variant Classification Scheme 2023. Collection method: clinical testing. Allele origin: germline.
Comment: The p.I136S variant (also known as c.407T>G), located in coding exon 2 of the TCAP gene, results from a T to G substitution at nucleotide position 407. The isoleucine at codon 136 is replaced by serine, an amino acid with dissimilar properties. This amino acid position is conserved. In addition, this alteration is predicted to be deleterious by in silico analysis. Since supporting evidence is limited at this time, the clinical significance of this alteration remains unclear.